The following is an entry in ClinVar:

ClinVar aggregate classification (germline): Pathogenic (1 of 4 stars; one submission).

Conditions:
Neuronal ceroid lipofuscinosis. Also called: Neuronal Ceroid Lipofuscinoses. Identifiers: Orphanet 216, Orphanet 79263, MedGen C0027877, MONDO:0016295. Disease mechanism: loss of function.

Submission:

Labcorp Genetics (formerly Invitae), Labcorp
Classification: Pathogenic for Neuronal ceroid lipofuscinosis. Last evaluated: 2022-02-09. Review status: criteria provided, single submitter. Criteria: Invitae Variant Classification Sherloc (09022015). Collection method: clinical testing. Allele origin: germline.
Comment: Algorithms developed to predict the effect of sequence changes on RNA splicing suggest that this variant may create or strengthen a splice site. This variant disrupts a region of the CLN5 protein in which other variant(s) (p.Tyr392*) have been determined to be pathogenic (PMID: 9662406; Invitae). This suggests that this is a clinically significant region of the protein, and that variants that disrupt it are likely to be disease-causing. For these reasons, this variant has been classified as Pathogenic. This variant has not been reported in the literature in individuals affected with CLN5-related conditions. This sequence change creates a premature translational stop signal (p.Tyr311*) in the CLN5 gene. While this is not anticipated to result in nonsense mediated decay, it is expected to disrupt the last 97 amino acid(s) of the CLN5 protein. This variant is not present in population databases (gnomAD no frequency).

Literature cited by the submitters: PubMed 9662406.

NM_006493.4(CLN5):c.786C>G (p.Tyr262Ter)

Gene: CLN5 (CLN5 lysosomal BMP synthase; plus strand). Cytogenetic location: 13q22.3.
Variant type: single nucleotide variant.
Coding change: c.786C>G on transcript NM_006493.4 (MANE Select); coding-DNA position 786, C replaced by G.
Protein change: p.Tyr262Ter; replaces tyrosine 262 with a stop codon.
Molecular consequence: nonsense. On other transcripts: 3 prime UTR variant (1).
Genome position (GRCh38, 1-based): chr13:77,000,678, C>G. VCF-style: chr13-77000678-C-G. GRCh37 (hg19) VCF-style: chr13-77574813-C-G.
Other names: c.*235C>G (NM_001366624.2); short protein forms Y262*, Y311*.
Identifiers: ClinVar variation 2095804 (VCV002095804.4), dbSNP rs2501156184, ClinGen allele CA388313190.